The following is an entry in ClinVar:

ClinVar aggregate classification (germline): Conflicting classifications of pathogenicity. Review status: criteria provided, conflicting classifications (1 of 4 stars). 3 submissions from 3 submitters: Uncertain significance (1); Likely benign (1). 1 of the submissions does not count toward it. Last evaluated 2026-01-18.

Conditions:
Inborn genetic diseases. Identifiers: MedGen C0950123, MeSH D030342.
ADAMTSL4-related disorder. Also called: ADAMTSL4-related condition; ADAMTSL4-Related Disorders.

Allele frequency attached by ClinVar (database versions not stated): ESP Exome Variant Server 0.00054; gnomAD 0.00072 and 0.00076; 1000 Genomes Project 30x 0.00078; 1000 Genomes Project 0.00080; TOPMed 0.00087.
gnomAD v4.1: 210 of 1,613,838 alleles (0.013%); highest among the groups gnomAD compares: African/African-American, 0.24%; no homozygotes.

Submissions (3):

Labcorp Genetics (formerly Invitae), Labcorp
Classification: Likely benign. Last evaluated: 2026-01-18. Review status: criteria provided, single submitter. Criteria: Invitae Variant Classification Sherloc (09022015). Collection method: clinical testing. Allele origin: germline.

Ambry Genetics
Classification: Uncertain significance for Inborn genetic diseases. Last evaluated: 2024-09-09. Review status: criteria provided, single submitter. Criteria: Ambry Variant Classification Scheme 2023. Collection method: clinical testing. Allele origin: germline.

PreventionGenetics, part of Exact Sciences
Classification: Likely benign for ADAMTSL4-related condition. Last evaluated: 2023-10-30. Review status: no assertion criteria provided. Collection method: clinical testing. Allele origin: germline. Not counted in ClinVar's aggregate classification.
Comment: This variant is classified as likely benign based on ACMG/AMP sequence variant interpretation guidelines (Richards et al. 2015 PMID: 25741868, with internal and published modifications).

NM_019032.6(ADAMTSL4):c.2547C>G (p.Asp849Glu)

Gene: ADAMTSL4 (ADAMTS like 4; plus strand). Cytogenetic location: 1q21.2.
Variant type: single nucleotide variant.
Coding change: c.2547C>G on transcript NM_019032.6 (MANE Select); coding-DNA position 2547, C replaced by G.
Protein change: p.Asp849Glu; replaces aspartic acid 849 with glutamic acid.
Molecular consequence: missense variant.
Genome position (GRCh38, 1-based): chr1:150,558,637, C>G. VCF-style: chr1-150558637-C-G. GRCh37 (hg19) VCF-style: chr1-150531113-C-G.
Other names: c.2430C>G, p.Asp810Glu (NM_001288607.2); c.2616C>G, p.Asp872Glu (NM_001288608.2); c.2547C>G, p.Asp849Glu (NM_001378596.1, NM_025008.5); c.2547C>G (NM_019032.5, NM_019032.4); short protein forms D810E, D849E, D872E.
Identifiers: ClinVar variation 1583450 (VCV001583450.11), dbSNP rs147256635, ClinGen allele CA1078716.